The following is an entry in ClinVar:

ClinVar aggregate classification (germline): Conflicting classifications of pathogenicity. Review status: criteria provided, conflicting classifications (1 of 4 stars). 4 submissions from 4 submitters: Uncertain significance (3); Likely benign (1). Last evaluated 2026-08-27.

Conditions:
CNGB1-related disorder. Also called: CNGB1-related condition.

Allele frequency attached by ClinVar (database versions not stated): TOPMed 0.00023; ESP Exome Variant Server 0.00033; 1000 Genomes Project 30x 0.00047; 1000 Genomes Project 0.00060.
gnomAD v4.1: 193 of 1,614,056 alleles (0.012%); highest among the groups gnomAD compares: African/African-American, 0.075%; 1 homozygote.

Submissions (4):

PreventionGenetics, part of Exact Sciences
Classification: Uncertain significance for CNGB1-related condition. Last evaluated: 2026-08-27. Review status: criteria provided, single submitter. Criteria: ACMG Guidelines, 2015. Collection method: clinical testing. Allele origin: germline.
Comment: The CNGB1 c.49C>T variant is predicted to result in the amino acid substitution p.Arg17Trp. To our knowledge, this variant has not been reported in the literature. This variant is reported in 0.066% of alleles in individuals of African descent in gnomAD, which may be too frequent to be a primary cause of disease. Although we suspect that this variant may be benign, at this time, the clinical significance of this variant is uncertain due to the absence of conclusive functional and genetic evidence.

Labcorp Genetics (formerly Invitae), Labcorp
Classification: Likely benign. Last evaluated: 2026-01-31. Review status: criteria provided, single submitter. Criteria: Invitae Variant Classification Sherloc (09022015). Collection method: clinical testing. Allele origin: germline.

Blueprint Genetics
Classification: Uncertain significance. Last evaluated: 2022-11-12. Review status: criteria provided, single submitter. Criteria: ACMG Guidelines, 2015. Collection method: clinical testing. Allele origin: germline.

Eurofins Ntd Llc (ga)
Classification: Uncertain significance. Last evaluated: 2014-10-15. Review status: criteria provided, single submitter. Criteria: EGL Classification Definitions 2015. Collection method: clinical testing. Allele origin: germline. Observed: 1 variant allele, 1 heterozygote.

NM_001297.5(CNGB1):c.49C>T (p.Arg17Trp)

Gene: CNGB1 (cyclic nucleotide gated channel subunit beta 1; minus strand). Cytogenetic location: 16q21.
Variant type: single nucleotide variant.
Coding change: c.49C>T on transcript NM_001297.5 (MANE Select); coding-DNA position 49, C replaced by T.
Protein change: p.Arg17Trp; replaces arginine 17 with tryptophan.
Molecular consequence: missense variant.
Genome position (GRCh38, 1-based): chr16:57,967,238, G>A on the plus strand (C>T on the coding strand, the complement: CNGB1 is on the minus strand). VCF-style: chr16-57967238-G-A. GRCh37 (hg19) VCF-style: chr16-58001142-G-A.
Other names: c.49C>T, p.Arg17Trp (NM_001135639.2, NM_001286130.2); short protein forms R17W.
Identifiers: ClinVar variation 195144 (VCV000195144.16), dbSNP rs200694933, ClinGen allele CA241428.